The following is an entry in ClinVar:

NM_001374736.1(DST):c.5200G>A (p.Glu1734Lys)

Gene: DST (dystonin; minus strand). Cytogenetic location: 6p12.1.
Variant type: single nucleotide variant.
Coding change: c.5200G>A on transcript NM_001374736.1 (MANE Select); coding-DNA position 5200, G replaced by A.
Protein change: p.Glu1734Lys; replaces glutamic acid 1734 with lysine.
Molecular consequence: missense variant.
Genome position (GRCh38, 1-based): chr6:56,610,510, C>T on the plus strand (G>A on the coding strand, the complement: DST is on the minus strand). VCF-style: chr6-56610510-C-T. GRCh37 (hg19) VCF-style: chr6-56475308-C-T.
Other names: c.5101G>A, p.Glu1701Lys (NM_001144769.5); c.4687G>A, p.Glu1563Lys (NM_001144770.2); c.5200G>A, p.Glu1734Lys (NM_001374722.1); c.4567G>A, p.Glu1523Lys (NM_001374729.1, NM_001374730.1, NM_001386100.1 and 1 more transcripts); c.5227G>A, p.Glu1743Lys (NM_001374734.1); c.3589G>A, p.Glu1197Lys (NM_015548.5); short protein forms E1523K, E1563K, E1701K, E1197K, E1734K, E1743K.
Identifiers: ClinVar variation 1492577 (VCV001492577.6), dbSNP rs1275672724, ClinGen allele CA364561234.

ClinVar aggregate classification (germline): Uncertain significance (1 of 4 stars; one submission).

Conditions:
Epidermolysis bullosa simplex 3, localized or generalized intermediate, with BP230 deficiency (EBS3). Also called: Epidermolysis bullosa simplex, autosomal recessive 2; Epidermolysis bullosa simplex due to BP230 deficiency. Identifiers: Orphanet 412181, MedGen C3809470, MONDO:0014180, OMIM 615425.
Hereditary sensory and autonomic neuropathy type 6. Also called: Neuropathy, hereditary sensory and autonomic, type VI; HSAN VI. Identifiers: Orphanet 314381, MedGen C3539003, MONDO:0013839, OMIM 614653.

Allele frequency attached by ClinVar (database versions not stated): gnomAD exomes below 0.00001 and 0.00001; TOPMed 0.00001; gnomAD 0.00002.
gnomAD v4.1: 6 of 1,565,640 alleles (0.00038%); highest among the groups gnomAD compares: Admixed American, 0.0095%; no homozygotes.

Submission:

Labcorp Genetics (formerly Invitae), Labcorp
Classification: Uncertain significance for Epidermolysis bullosa simplex 3, localized or generalized intermediate, with BP230 deficiency; Hereditary sensory and autonomic neuropathy type 6. Last evaluated: 2021-08-20. Review status: criteria provided, single submitter. Criteria: Invitae Variant Classification Sherloc (09022015). Collection method: clinical testing. Allele origin: germline.
Comment: This variant is not present in population databases (ExAC no frequency). In summary, the available evidence is currently insufficient to determine the role of this variant in disease. Therefore, it has been classified as a Variant of Uncertain Significance. Experimental studies and prediction algorithms are not available or were not evaluated, and the functional significance of this variant is currently unknown. This variant has not been reported in the literature in individuals affected with DST-related conditions. This sequence change replaces glutamine with lysine at codon 1197 of the DST protein (p.Glu1197Lys). The DST gene has multiple clinically relevant transcripts. This variant occurs in alternate transcript NM_015548.4, and corresponds to NM_001723.5:c.*5007G>A in the primary transcript.